The following is an entry in ClinVar:

ClinVar aggregate classification (germline): Pathogenic. Review status: criteria provided, single submitter (1 of 4 stars). 2 submissions from 2 submitters: Pathogenic (1). 1 of the submissions does not count toward it. Last evaluated 2025-04-17.

Conditions:
Megalencephalic leukoencephalopathy with subcortical cysts 1 (MLC1). Also called: LEUKOENCEPHALOPATHY WITH SWELLING AND CYSTS; VACUOLATING MEGALENCEPHALIC LEUKOENCEPHALOPATHY WITH SUBCORTICAL CYSTS. Identifiers: Orphanet 2478, MedGen C5779875, MONDO:0024555, OMIM 604004.

Submissions (2):

Labcorp Genetics (formerly Invitae), Labcorp
Classification: Pathogenic. Last evaluated: 2025-04-17. Review status: criteria provided, single submitter. Criteria: Invitae Variant Classification Sherloc (09022015). Collection method: clinical testing. Allele origin: germline.
Comment: This sequence change creates a premature translational stop signal (p.Asn110Thrfs*12) in the MLC1 gene. It is expected to result in an absent or disrupted protein product. Loss-of-function variants in MLC1 are known to be pathogenic (PMID: 11254442, 16470554, 24824219). This variant is present in population databases (rs786204747, gnomAD no frequency). This premature translational stop signal has been observed in individual(s) with megalencephalic leukoencephalopathy with subcortical cysts (PMID: 16470554). ClinVar contains an entry for this variant (Variation ID: 189169). For these reasons, this variant has been classified as Pathogenic.

Counsyl
Classification: Likely pathogenic for Megalencephalic leukoencephalopathy with subcortical cysts 1. Last evaluated: 2015-02-02. Review status: no assertion criteria provided. Collection method: literature only. Allele origin: unknown. Inheritance: Autosomal recessive inheritance. Not counted in ClinVar's aggregate classification.

Literature cited by the submitters: PubMed 11254442 (cited by Labcorp Genetics (formerly Invitae), Labcorp); PubMed 16470554 (cited by Labcorp Genetics (formerly Invitae), Labcorp and Counsyl); PubMed 24824219 (cited by Labcorp Genetics (formerly Invitae), Labcorp).

NM_015166.4(MLC1):c.324del (p.Asn110fs)

Gene: MLC1 (modulator of VRAC current 1; minus strand). Cytogenetic location: 22q13.33.
Variant type: Deletion.
Coding change: c.324del on transcript NM_015166.4 (MANE Select); coding-DNA position 324, one base deleted (T; older notation c.324delT).
Protein change: p.Asn110fs; shifts the reading frame from asparagine 110.
Molecular consequence: frameshift variant. On other transcripts: non-coding transcript variant (3), intron variant (3).
Genome position (GRCh38, 1-based): chr22:50,080,017, A deleted on the plus strand (T on the coding strand, the reverse complement: MLC1 is on the minus strand); the first of 2 consecutive A bases (chr22:50,080,017-50,080,018); deleting either gives the same sequence. VCF-style (leftmost placement, unchanged base first): chr22-50080016-GA-G. GRCh37 (hg19) VCF-style: chr22-50518445-GA-G.
Other names: c.87del, p.Asn31fs (NM_001376484.1); c.324del, p.Asn110fs (NM_139202.3, NM_001376472.1, NM_001376473.1 and 6 more transcripts); c.268-2515del (NM_001376482.1, NM_001376483.1); c.321+327del (NM_001376481.1); c.324delT (NM_015166.3); c.234del, p.Asn80fs (NM_001376480.1); short protein forms N110fs, N31fs, N80fs.
Identifiers: ClinVar variation 189169 (VCV000189169.14), dbSNP rs786204747, ClinGen allele CA274452.
Genomic context (GRCh38, chr22:50,080,016, plus strand): 5'-ACCAAATTAAACACGTAGTGGTCACAGCAAACGTGGAAACAAACAATATCTGAAAGTTGG[GA>G]ATCTGAAAAACAAGGCAGGAGGGGTTTTCCTTCTTTGAATAATAAAAGAAAAAAGGTAAC-3'